The following is an entry in ClinVar:

NM_002432.3(MNDA):c.913A>C (p.Lys305Gln)

Gene: MNDA (myeloid cell nuclear differentiation antigen; plus strand). Cytogenetic location: 1q23.1.
Variant type: single nucleotide variant.
Coding change: c.913A>C on transcript NM_002432.3 (MANE Select); coding-DNA position 913, A replaced by C.
Protein change: p.Lys305Gln; replaces lysine 305 with glutamine.
Molecular consequence: missense variant.
Genome position (GRCh38, 1-based): chr1:158,845,929, A>C. VCF-style: chr1-158845929-A-C. GRCh37 (hg19) VCF-style: chr1-158815719-A-C.
Other names: short protein forms K305Q.
Identifiers: ClinVar variation 3222216 (VCV003222216.1), dbSNP rs2526088212, ClinGen allele CA343042285.

ClinVar aggregate classification (germline): Uncertain significance (1 of 4 stars; one submission).

Submission:

Ambry Genetics
Classification: Uncertain significance. Last evaluated: 2023-10-29. Review status: criteria provided, single submitter. Criteria: Ambry Variant Classification Scheme 2023. Collection method: clinical testing. Allele origin: germline.
Comment: The p.K305Q variant (also known as c.913A>C), located in coding exon 4 of the MNDA gene, results from an A to C substitution at nucleotide position 913. The lysine at codon 305 is replaced by glutamine, an amino acid with similar properties. This amino acid position is conserved. In addition, this alteration is predicted to be tolerated by in silico analysis. Since supporting evidence is limited at this time, the clinical significance of this alteration remains unclear.